The following is an entry in ClinVar:

ClinVar aggregate classification (germline): Likely pathogenic (1 of 4 stars; one submission).

Conditions:
Bethlem myopathy 1A. Also called: Bethlem Muscular Dystrophy; MYOPATHY, BENIGN CONGENITAL, WITH CONTRACTURES; Bethlem myopathy 1. Identifiers: Orphanet 610, MedGen CN029274, MONDO:0024530, OMIM 158810.

Submission:

MGZ Medical Genetics Center
Classification: Likely pathogenic for Bethlem myopathy 1A. Last evaluated: 2022-04-07. Review status: criteria provided, single submitter. Criteria: ACMG Guidelines, 2015. Collection method: clinical testing. Allele origin: germline. Affected: yes. Observed: 1 variant allele.
Comment: ACMG criteria applied: PVS1, PM2_SUP

NM_001849.4(COL6A2):c.2254_2255del (p.Val752fs)

Gene: COL6A2 (collagen type VI alpha 2 chain; plus strand). Cytogenetic location: 21q22.3.
Variant type: Deletion.
Coding change: c.2254_2255del on transcript NM_001849.4 (MANE Select); coding-DNA positions 2254 to 2255, 2 bases deleted (GT; older notation c.2254_2255delGT).
Protein change: p.Val752fs; shifts the reading frame from valine 752.
Molecular consequence: frameshift variant.
Genome position (GRCh38, 1-based): chr21:46,126,069-46,126,070, GT deleted. VCF-style (leftmost placement, unchanged base first): chr21-46126068-CGT-C. GRCh37 (hg19) VCF-style: chr21-47545982-CGT-C.
Other names: c.2254_2255del, p.Val752fs (NM_058174.3, NM_058175.3); short protein forms V752fs.
Identifiers: ClinVar variation 1709781 (VCV001709781.2), dbSNP rs2517018355, ClinGen allele CA2580098944.